The following is an entry in ClinVar:

ClinVar aggregate classification (germline): Uncertain significance (1 of 4 stars; one submission).

Conditions:
Pyridoxine-dependent epilepsy (EPEO4). Also called: Pyridoxine-Dependent Epilepsy - ALDH7A1; PYRIDOXINE DEPENDENCY WITH SEIZURES; EPILEPSY, EARLY-ONSET, 4, VITAMIN B6-DEPENDENT; Pyridoxine-Dependent Seizures. Identifiers: Orphanet 3006, MedGen C1849508, MONDO:0009945, OMIM 266100. Disease mechanism: loss of function.

Allele frequency attached by ClinVar (database versions not stated): gnomAD 0.00001; TOPMed 0.00001; ExAC 0.00001; gnomAD exomes 0.00001.
gnomAD v4.1: 11 of 1,613,710 alleles (0.00068%); highest among the groups gnomAD compares: Non-Finnish European, 0.00093%; no homozygotes.

Submission:

Labcorp Genetics (formerly Invitae), Labcorp
Classification: Uncertain significance for Pyridoxine-dependent epilepsy. Last evaluated: 2021-08-05. Review status: criteria provided, single submitter. Criteria: Invitae Variant Classification Sherloc (09022015). Collection method: clinical testing. Allele origin: germline.
Comment: This sequence change falls in intron 6 of the ALDH7A1 gene. It does not directly change the encoded amino acid sequence of the ALDH7A1 protein. It affects a nucleotide within the consensus splice site of the intron. This variant is present in population databases (rs201040092, ExAC 0.001%). This variant has not been reported in the literature in individuals affected with ALDH7A1-related conditions. Variants that disrupt the consensus splice site are a relatively common cause of aberrant splicing (PMID: 17576681, 9536098). Algorithms developed to predict the effect of sequence changes on RNA splicing suggest that this variant may disrupt the consensus splice site. In summary, the available evidence is currently insufficient to determine the role of this variant in disease. Therefore, it has been classified as a Variant of Uncertain Significance.

Literature cited by the submitters: PubMed 17576681; PubMed 9536098.

NM_001182.5(ALDH7A1):c.650+5G>C

Gene: ALDH7A1 (aldehyde dehydrogenase 7 family member A1; minus strand). Cytogenetic location: 5q23.2.
Variant type: single nucleotide variant.
Coding change: c.650+5G>C on transcript NM_001182.5 (MANE Select); 5 bases into the intron after coding-DNA position 650, G replaced by C.
Molecular consequence: intron variant.
Genome position (GRCh38, 1-based): chr5:126,577,074, C>G on the plus strand (G>C on the coding strand, the complement: ALDH7A1 is on the minus strand). VCF-style: chr5-126577074-C-G. GRCh37 (hg19) VCF-style: chr5-125912766-C-G.
Other names: c.650+5G>C (NM_001202404.2); c.566+5G>C (NM_001201377.2).
Identifiers: ClinVar variation 1353643 (VCV001353643.3), dbSNP rs201040092, ClinGen allele CA3389716.